The following is an entry in ClinVar:

NM_000051.4(ATM):c.6480G>A (p.Lys2160=)

Genes: ATM (ATM serine/threonine kinase; plus strand), C11orf65 (chromosome 11 open reading frame 65; minus strand). Cytogenetic location: 11q22.3.
Variant type: single nucleotide variant.
Coding change: c.6480G>A on transcript NM_000051.4 (MANE Select); coding-DNA position 6480, G replaced by A.
Protein change: p.Lys2160=; no amino-acid change (lysine 2160 retained).
Molecular consequence: synonymous variant. On other transcripts: intron variant (2).
Genome position (GRCh38, 1-based): chr11:108,321,328, G>A. VCF-style: chr11-108321328-G-A. GRCh37 (hg19) VCF-style: chr11-108192055-G-A.
Other names: c.6480G>A, p.Lys2160= (NM_001351834.2); c.641-12257C>T (NM_001330368.2); c.*39-12257C>T (NM_001351110.2).
Identifiers: ClinVar variation 1115671 (VCV001115671.11), dbSNP rs2136239159, ClinGen allele CA476676155.

ClinVar aggregate classification (germline): Benign/Likely benign. Review status: criteria provided, multiple submitters, no conflicts (2 of 4 stars). 4 submissions from 4 submitters: Benign (1); Likely benign (3). Last evaluated 2025-11-22.

Conditions:
Familial cancer of breast. Also called: Hereditary breast cancer; hereditary breast carcinoma; BREAST CANCER, FAMILIAL. Identifiers: Orphanet 227535, MedGen C0346153, MONDO:0016419, OMIM 114480. Disease mechanism: loss of function.
Ataxia-telangiectasia syndrome (AT). Also called: Ataxia telangiectasia (A-T); ATAXIA-TELANGIECTASIA, COMPLEMENTATION GROUP A; ATAXIA-TELANGIECTASIA, FRESNO VARIANT; Ataxia-telangiectasia; Ataxia-telangiectasia, complementation group E; LOUIS-BAR SYNDROME. Identifiers: Orphanet 100, MedGen C0004135, MONDO:0008840, OMIM 208900.
Hereditary cancer-predisposing syndrome. Also called: Neoplastic Syndromes, Hereditary; Tumor predisposition; Hereditary Cancer Syndrome; Hereditary neoplastic syndrome. Identifiers: Orphanet 140162, MedGen C0027672, MeSH D009386, MONDO:0015356.

Submissions (4):

Ambry Genetics
Classification: Likely benign for Hereditary cancer-predisposing syndrome. Last evaluated: 2025-11-22. Review status: criteria provided, single submitter. Criteria: Ambry Variant Classification Scheme 2023. Collection method: clinical testing. Allele origin: germline.

Myriad Genetics, Inc.
Classification: Benign for Familial cancer of breast. Last evaluated: 2024-06-06. Review status: criteria provided, single submitter. Criteria: Myriad Autosomal Dominant, Autosomal Recessive and X-Linked Classification Criteria (2023). Collection method: clinical testing. Allele origin: unknown.
Comment: This variant is considered benign. This variant is a silent/synonymous amino acid change and it is not expected to impact splicing.

Color Diagnostics, LLC DBA Color Health
Classification: Likely benign for Hereditary cancer-predisposing syndrome. Last evaluated: 2023-08-15. Review status: criteria provided, single submitter. Criteria: ACMG Guidelines, 2015. Collection method: clinical testing. Allele origin: germline.

Labcorp Genetics (formerly Invitae), Labcorp
Classification: Likely benign for Ataxia-telangiectasia syndrome. Last evaluated: 2021-07-26. Review status: criteria provided, single submitter. Criteria: Invitae Variant Classification Sherloc (09022015). Collection method: clinical testing. Allele origin: germline.